The following is an entry in ClinVar:

ClinVar aggregate classification (germline): Benign (1 of 4 stars; one submission).

Allele frequency attached by ClinVar (database versions not stated): 1000 Genomes Project 0.34964; 1000 Genomes Project 30x 0.35650; gnomAD 0.41992 and 0.43561; TOPMed 0.43146.
gnomAD v4.1: 63,788 of 151,976 alleles (42%); highest among the groups gnomAD compares: African/African-American, 68%; 15,556 homozygotes.

Submission:

GeneDx
Classification: Benign. Last evaluated: 2018-06-14. Review status: criteria provided, single submitter. Criteria: GeneDx Variant Classification (06012015). Collection method: clinical testing. Allele origin: germline. Affected: yes.
Comment: This variant is considered likely benign or benign based on one or more of the following criteria: it is a conservative change, it occurs at a poorly conserved position in the protein, it is predicted to be benign by multiple in silico algorithms, and/or has population frequency not consistent with disease.

NM_000257.4(MYH7):c.4645-173C>T

Genes: MHRT (myosin heavy chain associated RNA transcript; plus strand), MYH7 (myosin heavy chain 7; minus strand). Cytogenetic location: 14q11.2.
Variant type: single nucleotide variant.
Coding change: c.4645-173C>T on transcript NM_000257.4 (MANE Select); 173 bases into the intron before coding-DNA position 4645, C replaced by T.
Molecular consequence: intron variant.
Genome position (GRCh38, 1-based): chr14:23,416,485, G>A on the plus strand (C>T on the coding strand, the complement: MYH7 is on the minus strand). VCF-style: chr14-23416485-G-A. GRCh37 (hg19) VCF-style: chr14-23885694-G-A.
Identifiers: ClinVar variation 671940 (VCV000671940.1), dbSNP rs7140721, ClinGen allele CA14052157.